The following is an entry in ClinVar:

NM_004168.4(SDHA):c.1658A>G (p.Asp553Gly)

Gene: SDHA (succinate dehydrogenase complex flavoprotein subunit A; plus strand). Cytogenetic location: 5p15.33.
Variant type: single nucleotide variant.
Coding change: c.1658A>G on transcript NM_004168.4 (MANE Select); coding-DNA position 1658, A replaced by G.
Protein change: p.Asp553Gly; replaces aspartic acid 553 with glycine.
Molecular consequence: missense variant. On other transcripts: intron variant (1).
Genome position (GRCh38, 1-based): chr5:251,098, A>G. VCF-style: chr5-251098-A-G. GRCh37 (hg19) VCF-style: chr5-251213-A-G.
Other names: c.1514A>G, p.Asp505Gly (NM_001294332.2); c.1552-3295A>G (NM_001330758.2); short protein forms D505G, D553G.
Identifiers: ClinVar variation 3951339 (VCV003951339.1).

ClinVar aggregate classification (germline): Uncertain significance (1 of 4 stars; one submission).

Conditions:
Hereditary cancer-predisposing syndrome. Also called: Tumor predisposition; Hereditary neoplastic syndrome; Hereditary Cancer Syndrome; Neoplastic Syndromes, Hereditary. Identifiers: Orphanet 140162, MedGen C0027672, MeSH D009386, MONDO:0015356.

Submission:

Ambry Genetics
Classification: Uncertain significance for Hereditary cancer-predisposing syndrome. Last evaluated: 2025-03-30. Review status: criteria provided, single submitter. Criteria: Ambry Variant Classification Scheme 2023. Collection method: clinical testing. Allele origin: germline.
Comment: The p.D553G variant (also known as c.1658A>G), located in coding exon 12 of the SDHA gene, results from an A to G substitution at nucleotide position 1658. The aspartic acid at codon 553 is replaced by glycine, an amino acid with similar properties. This amino acid position is conserved. In addition, this alteration is predicted to be deleterious by in silico analysis. Based on the available evidence, the clinical significance of this variant remains unclear.